The following is an entry in ClinVar:

NM_019066.5(MAGEL2):c.1586_1606del (p.Ala529_Gln535del)

Gene: MAGEL2 (MAGE family member L2; minus strand). Cytogenetic location: 15q11.2.
Variant type: Deletion.
Coding change: c.1586_1606del on transcript NM_019066.5 (MANE Select); coding-DNA positions 1586 to 1606, 21 bases deleted (CTAGGCTGCCGGCCCCGCAGG).
Protein change: p.Ala529_Gln535del.
Molecular consequence: inframe deletion.
Genome position (GRCh38, 1-based): chr15:23,646,137-23,646,157, CCTGCGGGGCCGGCAGCCTAG deleted on the plus strand (CTAGGCTGCCGGCCCCGCAGG on the coding strand, the reverse complement: MAGEL2 is on the minus strand); deleting any 21 consecutive bases within chr15:23,646,137-23,646,168 gives the same sequence; the c. name uses the placement nearest the transcript's 3' end. VCF-style (leftmost placement, unchanged base first): chr15-23646136-ACCTGCGGGGCCGGCAGCCTAG-A. GRCh37 (hg19) VCF-style: chr15-23891283-ACCTGCGGGGCCGGCAGCCTAG-A.
Other names: c.1586_1606del21 (NM_019066.4).
Identifiers: ClinVar variation 1910433 (VCV001910433.6), dbSNP rs1319503908, ClinGen allele CA711338891.
Genomic context (GRCh38, chr15:23,646,136, plus strand): 5'-GGCGGCGCCGCGGGTACCTGCGTAGCAGGTGGGGCCGTAGGCACCTGCGGCGCCGCCTGC[ACCTGCGGGGCCGGCAGCCTAG>A]CCTGCGGGGCCTGCCGCAGTGGAGGTGGGGGTGGCAGGGCCTGCCAGAGCGGTGGCTGGG-3'

ClinVar aggregate classification (germline): Uncertain significance. Review status: criteria provided, single submitter (1 of 4 stars). 2 submissions from 2 submitters: Uncertain significance (1). 1 of the submissions does not count toward it. Last evaluated 2024-10-22.

Conditions:
MAGEL2-related disorder. Also called: MAGEL2-related condition.

Submissions (2):

Labcorp Genetics (formerly Invitae), Labcorp
Classification: Uncertain significance. Last evaluated: 2024-10-22. Review status: criteria provided, single submitter. Criteria: Invitae Variant Classification Sherloc (09022015). Collection method: clinical testing. Allele origin: germline.
Comment: This variant, c.1586_1606del, results in the deletion of 7 amino acid(s) of the MAGEL2 protein (p.Ala529_Gln535del), but otherwise preserves the integrity of the reading frame. This variant is not present in population databases (gnomAD no frequency). This variant has not been reported in the literature in individuals affected with MAGEL2-related conditions. ClinVar contains an entry for this variant (Variation ID: 1910433). Experimental studies and prediction algorithms are not available or were not evaluated, and the functional significance of this variant is currently unknown. In summary, the available evidence is currently insufficient to determine the role of this variant in disease. Therefore, it has been classified as a Variant of Uncertain Significance.

PreventionGenetics, part of Exact Sciences
Classification: Uncertain significance for MAGEL2-related condition. Last evaluated: 2024-03-05. Review status: no assertion criteria provided. Collection method: clinical testing. Allele origin: germline. Not counted in ClinVar's aggregate classification.
Comment: The MAGEL2 c.1586_1606del21 variant is predicted to result in an in-frame deletion (p.Ala529_Gln535del). To our knowledge, this variant has not been reported in the literature or in a large population database, indicating this variant is rare. At this time, the clinical significance of this variant is uncertain due to the absence of conclusive functional and genetic evidence.